The following is an entry in ClinVar:

NM_001273.5(CHD4):c.2397A>C (p.Pro799=)

Gene: CHD4 (chromodomain helicase DNA binding protein 4; minus strand). Cytogenetic location: 12p13.31.
Variant type: single nucleotide variant.
Coding change: c.2397A>C on transcript NM_001273.5 (MANE Select); coding-DNA position 2397, A replaced by C.
Protein change: p.Pro799=; no amino-acid change (proline 799 retained).
Molecular consequence: synonymous variant.
Genome position (GRCh38, 1-based): chr12:6,593,533, T>G on the plus strand (A>C on the coding strand, the complement: CHD4 is on the minus strand). VCF-style: chr12-6593533-T-G. GRCh37 (hg19) VCF-style: chr12-6702699-T-G.
Other names: c.2376A>C, p.Pro792= (NM_001297553.2); c.2358A>C, p.Pro786= (NM_001363606.2).
Identifiers: ClinVar variation 1626885 (VCV001626885.13), dbSNP rs138250427, ClinGen allele CA6411972.
Genomic context (GRCh38, chr12:6,593,533, plus strand): 5'-ATTCTCTCGGATGATGGCACGGCTGTCCTTGTCACCCACATAGGTTACGACATACATGTC[T>G]GGAGCCCACATTTCAAACTCCCGCTCCCAGTTGATGATGGTAGAAAGAGGGGCGCTCACT-3'
Protein context (NP_001264.2, residues 789-809): NWEREFEMWA[Pro799=]DMYVVTYVGD

ClinVar aggregate classification (germline): Benign/Likely benign. Review status: criteria provided, multiple submitters, no conflicts (2 of 4 stars). 3 submissions from 3 submitters: Benign (1); Likely benign (2). Last evaluated 2026-06-01.

Allele frequency attached by ClinVar (database versions not stated): TOPMed 0.00074; gnomAD exomes 0.00007 and 0.00016; ExAC 0.00015; ESP Exome Variant Server 0.00031; 1000 Genomes Project 0.00040; 1000 Genomes Project 30x 0.00047; gnomAD 0.00062 and 0.00066.
gnomAD v4.1: 196 of 1,614,188 alleles (0.012%); highest among the groups gnomAD compares: African/African-American, 0.24%; 1 homozygote.

Submissions (3):

CeGaT Center for Human Genetics Tuebingen
Classification: Likely benign. Last evaluated: 2026-06-01. Review status: criteria provided, single submitter. Criteria: CeGaT Center For Human Genetics Tuebingen Variant Classification Criteria Version 2. Collection method: clinical testing. Allele origin: germline. Affected: yes. Observed: 2 variant alleles.
Comment: CHD4: BP4, BP7, BS1

Labcorp Genetics (formerly Invitae), Labcorp
Classification: Benign. Last evaluated: 2025-10-13. Review status: criteria provided, single submitter. Criteria: Invitae Variant Classification Sherloc (09022015). Collection method: clinical testing. Allele origin: germline.

Blueprint Genetics
Classification: Likely benign. Last evaluated: 2022-03-21. Review status: criteria provided, single submitter. Criteria: ACMG Guidelines, 2015. Collection method: clinical testing. Allele origin: germline.